The following is an entry in ClinVar:

NM_000701.8(ATP1A1):c.200G>A (p.Arg67His)

Gene: ATP1A1 (ATPase Na+/K+ transporting subunit alpha 1; plus strand). Cytogenetic location: 1p13.1.
Variant type: single nucleotide variant.
Coding change: c.200G>A on transcript NM_000701.8 (MANE Select); coding-DNA position 200, G replaced by A.
Protein change: p.Arg67His; replaces arginine 67 with histidine.
Molecular consequence: missense variant.
Genome position (GRCh38, 1-based): chr1:116,387,304, G>A. VCF-style: chr1-116387304-G-A. GRCh37 (hg19) VCF-style: chr1-116929926-G-A.
Other names: c.200G>A, p.Arg67His (NM_001160233.2); c.107G>A, p.Arg36His (NM_001160234.2); short protein forms R67H, R36H.
Identifiers: ClinVar variation 3672152 (VCV003672152.3).

ClinVar aggregate classification (germline): Conflicting classifications of pathogenicity. Review status: criteria provided, conflicting classifications (1 of 4 stars). 2 submissions from 2 submitters: Uncertain significance (1); Likely benign (1). Last evaluated 2025-02-11.

gnomAD v4.1: 14 of 1,613,966 alleles (0.00087%); highest among the groups gnomAD compares: East Asian, 0.0067%; no homozygotes.

Submissions (2):

Labcorp Genetics (formerly Invitae), Labcorp
Classification: Uncertain significance. Last evaluated: 2025-02-11. Review status: criteria provided, single submitter. Criteria: Invitae Variant Classification Sherloc (09022015). Collection method: clinical testing. Allele origin: germline.
Comment: This sequence change replaces arginine, which is basic and polar, with histidine, which is basic and polar, at codon 67 of the ATP1A1 protein (p.Arg67His). This variant is present in population databases (no rsID available, gnomAD 0.01%). This variant has not been reported in the literature in individuals affected with ATP1A1-related conditions. Invitae Evidence Modeling of protein sequence and biophysical properties (such as structural, functional, and spatial information, amino acid conservation, physicochemical variation, residue mobility, and thermodynamic stability) has been performed for this missense variant. However, the output from this modeling did not meet the statistical confidence thresholds required to predict the impact of this variant on ATP1A1 protein function. In summary, the available evidence is currently insufficient to determine the role of this variant in disease. Therefore, it has been classified as a Variant of Uncertain Significance.

Blueprint Genetics
Classification: Likely benign. Last evaluated: 2021-01-14. Review status: criteria provided, single submitter. Criteria: ACMG Guidelines, 2015. Collection method: clinical testing. Allele origin: germline.